The following is an entry in ClinVar:

NM_001128840.3(CACNA1D):c.6279C>A (p.Asp2093Glu)

Gene: CACNA1D (calcium voltage-gated channel subunit alpha1 D; plus strand). Cytogenetic location: 3p21.1.
Variant type: single nucleotide variant.
Coding change: c.6279C>A on transcript NM_001128840.3 (MANE Select); coding-DNA position 6279, C replaced by A.
Protein change: p.Asp2093Glu; replaces aspartic acid 2093 with glutamic acid.
Molecular consequence: missense variant.
Genome position (GRCh38, 1-based): chr3:53,811,199, C>A. VCF-style: chr3-53811199-C-A. GRCh37 (hg19) VCF-style: chr3-53845226-C-A.
Other names: c.6339C>A, p.Asp2113Glu (NM_000720.4); c.6207C>A, p.Asp2069Glu (NM_001128839.3); short protein forms D2069E, D2093E, D2113E.
Identifiers: ClinVar variation 2431954 (VCV002431954.1), dbSNP rs2474578157, ClinGen allele CA353259153.

ClinVar aggregate classification (germline): Uncertain significance (1 of 4 stars; one submission).

Conditions:
Aldosterone-producing adenoma with seizures and neurological abnormalities. Also called: Primary aldosteronism, seizures, and neurologic abnormalities. Identifiers: Orphanet 369929, MedGen C3809609, MONDO:0014200, OMIM 615474.

Submission:

Laboratorio de Genetica e Diagnostico Molecular, Hospital Israelita Albert Einstein
Classification: Uncertain significance for Aldosterone-producing adenoma with seizures and neurological abnormalities. Last evaluated: 2022-11-25. Review status: criteria provided, single submitter. Criteria: ACMG Guidelines, 2015. Collection method: clinical testing. Allele origin: germline. Affected: yes. Observed: 1 variant allele.
Comment: ACMG classification criteria: PM2 moderated, PP2 supporting, BP4 supporting